The following is an entry in ClinVar:

NM_015178.3(RHOBTB2):c.484C>A (p.Pro162Thr)

Gene: RHOBTB2 (Rho related BTB domain containing 2; plus strand). Cytogenetic location: 8p21.3.
Variant type: single nucleotide variant.
Coding change: c.484C>A on transcript NM_015178.3 (MANE Select); coding-DNA position 484, C replaced by A.
Protein change: p.Pro162Thr; replaces proline 162 with threonine.
Molecular consequence: missense variant.
Genome position (GRCh38, 1-based): chr8:23,006,729, C>A. VCF-style: chr8-23006729-C-A. GRCh37 (hg19) VCF-style: chr8-22864242-C-A.
Other names: c.550C>A, p.Pro184Thr (NM_001160036.2); c.505C>A, p.Pro169Thr (NM_001160037.2); c.484C>A, p.Pro162Thr (NM_001374791.1); short protein forms P162T, P169T, P184T.
Identifiers: ClinVar variation 1714369 (VCV001714369.5), dbSNP rs1287149904, ClinGen allele CA370563389.
Genomic context (GRCh38, chr8:23,006,729, plus strand): 5'-GAACAGGCAGCCTCCCTCCACCACCAACACAAGCTTGGTTTCCTTCTTGAACCTACCAGG[C>A]CCATCAAACCTAATGAAATCCTGCCCCCAGAGAAGGGTCGGGAGGTGGCCAAGGAGCTGG-3'
Protein context (NP_055993.2, residues 152-172): VNRARRPLAR[Pro162Thr]IKPNEILPPE

ClinVar aggregate classification (germline): Uncertain significance (1 of 4 stars; one submission).

Allele frequency attached by ClinVar (database versions not stated): gnomAD exomes 0.00001.
gnomAD v4.1: 3 of 1,607,880 alleles (0.00019%); highest among the groups gnomAD compares: East Asian, 0.0067%; no homozygotes.

Submission:

Labcorp Genetics (formerly Invitae), Labcorp
Classification: Uncertain significance. Last evaluated: 2022-07-30. Review status: criteria provided, single submitter. Criteria: Invitae Variant Classification Sherloc (09022015). Collection method: clinical testing. Allele origin: germline.
Comment: In summary, the available evidence is currently insufficient to determine the role of this variant in disease. Therefore, it has been classified as a Variant of Uncertain Significance. This sequence change replaces proline, which is neutral and non-polar, with threonine, which is neutral and polar, at codon 184 of the RHOBTB2 protein (p.Pro184Thr). The frequency data for this variant in the population databases is considered unreliable, as metrics indicate poor data quality at this position in the gnomAD database. This variant has not been reported in the literature in individuals affected with RHOBTB2-related conditions. Algorithms developed to predict the effect of missense changes on protein structure and function are either unavailable or do not agree on the potential impact of this missense change (SIFT: "Deleterious"; PolyPhen-2: "Benign"; Align-GVGD: "Class C0").